The following is an entry in ClinVar:

NM_001371727.1(GABRB2):c.723C>T (p.Asn241=)

Gene: GABRB2 (gamma-aminobutyric acid type A receptor subunit beta2; minus strand). Cytogenetic location: 5q34.
Variant type: single nucleotide variant.
Coding change: c.723C>T on transcript NM_001371727.1 (MANE Select); coding-DNA position 723, C replaced by T.
Protein change: p.Asn241=; no amino-acid change (asparagine 241 retained).
Molecular consequence: synonymous variant.
Genome position (GRCh38, 1-based): chr5:161,334,861, G>A on the plus strand (C>T on the coding strand, the complement: GABRB2 is on the minus strand). VCF-style: chr5-161334861-G-A. GRCh37 (hg19) VCF-style: chr5-160761868-G-A.
Other names: c.723C>T, p.Asn241= (NM_000813.3, NM_021911.3).
Identifiers: ClinVar variation 388689 (VCV000388689.1), dbSNP rs1057523200, ClinGen allele CA16604848.
Genomic context (GRCh38, chr5:161,334,861, plus strand): 5'-CCAGGAGAGGATGGTAATCAGGATGGAAGGCATGTATGTTTGCAGGATAAAGTAGCCAAT[G>A]TTTCTCTTAAGCTTAAAGCTGAGGGATAACCTGGGATAGGAACCTAGAAAGGCAATTTTA-3'
Protein context (NP_001358656.1, residues 231-251): RLSLSFKLKR[Asn241=]IGYFILQTYM

ClinVar aggregate classification (germline): Likely benign (1 of 4 stars; one submission).

Submission:

GeneDx
Classification: Likely benign. Last evaluated: 2016-08-19. Review status: criteria provided, single submitter. Criteria: GeneDx Variant Classification (06012015). Collection method: clinical testing. Allele origin: germline. Affected: yes.
Comment: This variant is considered likely benign or benign based on one or more of the following criteria: it is a conservative change, it occurs at a poorly conserved position in the protein, it is predicted to be benign by multiple in silico algorithms, and/or has population frequency not consistent with disease.